The following is an entry in ClinVar:

NM_001040142.2(SCN2A):c.2149+83C>T

Gene: SCN2A (sodium voltage-gated channel alpha subunit 2; plus strand). Cytogenetic location: 2q24.3.
Variant type: single nucleotide variant.
Coding change: c.2149+83C>T on transcript NM_001040142.2 (MANE Select); 83 bases into the intron after coding-DNA position 2149, C replaced by T.
Molecular consequence: intron variant.
Genome position (GRCh38, 1-based): chr2:165,327,067, C>T. VCF-style: chr2-165327067-C-T. GRCh37 (hg19) VCF-style: chr2-166183577-C-T.
Other names: c.2149+83C>T (NM_001040143.2, NM_001371246.1, NM_001371247.1 and 1 more transcripts).
Identifiers: ClinVar variation 670854 (VCV000670854.4), dbSNP rs17184707, ClinGen allele CA11279488.
Genomic context (GRCh38, chr2:165,327,067, plus strand): 5'-CAGTTACTTGGTGCTTTGGTAATGATGAAAAAACACTTCATAAATTTCAATAAAATACTT[C>T]CTGACTTGATATTGTATCATTATTACACATTTTACTAAATAACAGTAAAATCCGTGCATA-3'

ClinVar aggregate classification (germline): Benign. Review status: criteria provided, multiple submitters, no conflicts (2 of 4 stars). 3 submissions from 3 submitters: Benign (3). Last evaluated 2024-07-15.

Allele frequency attached by ClinVar (database versions not stated): 1000 Genomes Project 30x 0.09197; 1000 Genomes Project 0.09465; TOPMed 0.13936; gnomAD 0.14710 and 0.14913.
gnomAD v4.1: 275,419 of 1,492,772 alleles (18%); highest among the groups gnomAD compares: Non-Finnish European, 21%; 28,128 homozygotes.

Submissions (3):

Unidad de Genómica Garrahan, Hospital de Pediatría Garrahan
Classification: Benign. Last evaluated: 2024-07-15. Review status: criteria provided, single submitter. Criteria: ACMG Guidelines, 2015. Collection method: clinical testing. Allele origin: germline. Affected: no. Observed: 23 variant alleles.
Comment: This variant is classified as Benign based on local population frequency. This variant was detected in 25% of patients studied in a panel designed for Epileptic and Developmental Encephalopathy and Progressive Myoclonus Epilepsy. Number of patients: 23. Only high quality variants are reported.

GeneDx
Classification: Benign. Last evaluated: 2018-06-14. Review status: criteria provided, single submitter. Criteria: GeneDx Variant Classification (06012015). Collection method: clinical testing. Allele origin: germline. Affected: yes.
Comment: This variant is considered likely benign or benign based on one or more of the following criteria: it is a conservative change, it occurs at a poorly conserved position in the protein, it is predicted to be benign by multiple in silico algorithms, and/or has population frequency not consistent with disease.

Breakthrough Genomics
Classification: Benign. Review status: criteria provided, single submitter. Criteria: ACMG Guidelines, 2015. Collection method: not provided. Allele origin: germline. Inheritance: Autosomal dominant inheritance. Affected: yes.